The following is an entry in ClinVar:

NM_003079.5(SMARCE1):c.20A>C (p.Tyr7Ser)

Gene: SMARCE1 (SWI/SNF related BAF chromatin remodeling complex subunit E1; minus strand). Cytogenetic location: 17q21.2.
Variant type: single nucleotide variant.
Coding change: c.20A>C on transcript NM_003079.5 (MANE Select); coding-DNA position 20, A replaced by C.
Protein change: p.Tyr7Ser; replaces tyrosine 7 with serine.
Molecular consequence: missense variant.
Genome position (GRCh38, 1-based): chr17:40,645,607, T>G on the plus strand (A>C on the coding strand, the complement: SMARCE1 is on the minus strand). VCF-style: chr17-40645607-T-G. GRCh37 (hg19) VCF-style: chr17-38801859-T-G.
Other names: short protein forms Y7S.
Identifiers: ClinVar variation 3721502 (VCV003721502.2).

ClinVar aggregate classification (germline): Uncertain significance (1 of 4 stars; one submission).

Conditions:
Familial meningioma. Also called: Meningioma, familial, susceptibility to. Identifiers: Orphanet 263662, MedGen C3551915, MONDO:0011789, OMIM 607174.

Submission:

Labcorp Genetics (formerly Invitae), Labcorp
Classification: Uncertain significance for Familial meningioma. Last evaluated: 2024-09-25. Review status: criteria provided, single submitter. Criteria: Invitae Variant Classification Sherloc (09022015). Collection method: clinical testing. Allele origin: germline.
Comment: This sequence change replaces tyrosine, which is neutral and polar, with serine, which is neutral and polar, at codon 7 of the SMARCE1 protein (p.Tyr7Ser). This variant is not present in population databases (gnomAD no frequency). This variant has not been reported in the literature in individuals affected with SMARCE1-related conditions. An algorithm developed to predict the effect of missense changes on protein structure and function (PolyPhen-2) suggests that this variant is likely to be tolerated. In summary, the available evidence is currently insufficient to determine the role of this variant in disease. Therefore, it has been classified as a Variant of Uncertain Significance.